The following is an entry in ClinVar:

ClinVar aggregate classification (germline): Uncertain significance. Review status: criteria provided, multiple submitters, no conflicts (2 of 4 stars). 2 submissions from 2 submitters: Uncertain significance (2). Last evaluated 2024-05-24.

Conditions:
Inborn genetic diseases. Identifiers: MedGen C0950123, MeSH D030342.

Allele frequency attached by ClinVar (database versions not stated): TOPMed 0.00001.
gnomAD v4.1: 1 of 1,613,676 alleles (0.000062%); no homozygotes.

Submissions (2):

Ambry Genetics
Classification: Uncertain significance for Inborn genetic diseases. Last evaluated: 2024-05-24. Review status: criteria provided, single submitter. Criteria: Ambry Variant Classification Scheme 2023. Collection method: clinical testing. Allele origin: germline.

Labcorp Genetics (formerly Invitae), Labcorp
Classification: Uncertain significance. Last evaluated: 2021-06-30. Review status: criteria provided, single submitter. Criteria: Invitae Variant Classification Sherloc (09022015). Collection method: clinical testing. Allele origin: germline.
Comment: This sequence change replaces glycine with serine at codon 274 of the CREB3L1 protein (p.Gly274Ser). The glycine residue is highly conserved and there is a small physicochemical difference between glycine and serine. This variant is not present in population databases (ExAC no frequency). This variant has not been reported in the literature in individuals affected with CREB3L1-related conditions. Algorithms developed to predict the effect of missense changes on protein structure and function (SIFT, PolyPhen-2, Align-GVGD) all suggest that this variant is likely to be disruptive. In summary, the available evidence is currently insufficient to determine the role of this variant in disease. Therefore, it has been classified as a Variant of Uncertain Significance.

NM_052854.4(CREB3L1):c.820G>A (p.Gly274Ser)

Gene: CREB3L1 (cAMP responsive element binding protein 3 like 1; plus strand). Cytogenetic location: 11p11.2.
Variant type: single nucleotide variant.
Coding change: c.820G>A on transcript NM_052854.4 (MANE Select); coding-DNA position 820, G replaced by A.
Protein change: p.Gly274Ser; replaces glycine 274 with serine.
Molecular consequence: missense variant.
Genome position (GRCh38, 1-based): chr11:46,312,391, G>A. VCF-style: chr11-46312391-G-A. GRCh37 (hg19) VCF-style: chr11-46333942-G-A.
Other names: c.820G>A (NM_052854.2); short protein forms G274S.
Identifiers: ClinVar variation 1399717 (VCV001399717.9), dbSNP rs1939499036, ClinGen allele CA380221595.